The following is an entry in ClinVar:

NM_001148.6(ANK2):c.11768T>C (p.Met3923Thr)

Gene: ANK2 (ankyrin 2; plus strand). Cytogenetic location: 4q26.
Variant type: single nucleotide variant.
Coding change: c.11768T>C on transcript NM_001148.6 (MANE Select); coding-DNA position 11768, T replaced by C.
Protein change: p.Met3923Thr; replaces methionine 3923 with threonine.
Molecular consequence: missense variant. On other transcripts: intron variant (9).
Genome position (GRCh38, 1-based): chr4:113,373,358, T>C. VCF-style: chr4-113373358-T-C. GRCh37 (hg19) VCF-style: chr4-114294514-T-C.
Other names: c.5486T>C, p.Met1829Thr (NM_001127493.3); c.5525T>C, p.Met1842Thr (NM_001354225.2); c.5507T>C, p.Met1836Thr (NM_001354228.2); c.5492T>C, p.Met1831Thr (NM_001354230.2); c.5648T>C, p.Met1883Thr (NM_001354231.2); c.5642T>C, p.Met1881Thr (NM_001354232.2); c.5603T>C, p.Met1868Thr (NM_001354235.2); c.5411T>C, p.Met1804Thr (NM_001354236.2); and 50 more; short protein forms M1014T, M1021T, M1026T, M1677T, M1710T, M1738T, M1743T, M1751T.
Identifiers: ClinVar variation 3901498 (VCV003901498.1).

ClinVar aggregate classification (germline): Uncertain significance (1 of 4 stars; one submission).

gnomAD v4.1: 1 of 1,614,164 alleles (0.000062%); highest among the groups gnomAD compares: Non-Finnish European, 0.000085%; no homozygotes.

Submission:

GeneDx
Classification: Uncertain significance. Last evaluated: 2024-12-06. Review status: criteria provided, single submitter. Criteria: GeneDx Variant Classification Process June 2021. Collection method: clinical testing. Allele origin: germline. Affected: yes.
Comment: Not observed at significant frequency in large population cohorts (gnomAD); In silico analysis indicates that this missense variant does not alter protein structure/function; Has not been previously published as pathogenic or benign to our knowledge